The following is an entry in ClinVar:

NM_213599.3(ANO5):c.479G>A (p.Arg160His)

Gene: ANO5 (anoctamin 5; plus strand). Cytogenetic location: 11p14.3.
Variant type: single nucleotide variant.
Coding change: c.479G>A on transcript NM_213599.3 (MANE Select); coding-DNA position 479, G replaced by A.
Protein change: p.Arg160His; replaces arginine 160 with histidine.
Molecular consequence: missense variant.
Genome position (GRCh38, 1-based): chr11:22,227,417, G>A. VCF-style: chr11-22227417-G-A. GRCh37 (hg19) VCF-style: chr11-22248963-G-A.
Other names: c.476G>A, p.Arg159His (NM_001142649.2); short protein forms R160H, R159H.
Identifiers: ClinVar variation 502409 (VCV000502409.20), dbSNP rs150652958, ClinGen allele CA5922935.

ClinVar aggregate classification (germline): Uncertain significance. Review status: criteria provided, multiple submitters, no conflicts (2 of 4 stars). 5 submissions from 5 submitters: Uncertain significance (5). Last evaluated 2025-12-14.

Conditions:
Gnathodiaphyseal dysplasia (GDD). Also called: GNATHODIAPHYSEAL SCLEROSIS; OSTEOGENESIS IMPERFECTA WITH UNUSUAL SKELETAL LESIONS. Identifiers: Orphanet 53697, MedGen C1833736, MONDO:0008151, OMIM 166260.
Autosomal recessive limb-girdle muscular dystrophy type 2L (LGMDR12). Also called: MUSCULAR DYSTROPHY, LIMB-GIRDLE, AUTOSOMAL RECESSIVE 12; Limb-Girdle Muscular Dystrophy R12 Anoctamin-5-Related (LGMD-R12); Limb-girdle muscular dystrophy, type 2L. Identifiers: Orphanet 206549, MedGen C1969785, MONDO:0012652, OMIM 611307.
ANO5-Related Muscle Diseases. Identifiers: MedGen CN180644.

Allele frequency attached by ClinVar (database versions not stated): TOPMed 0.00010; ESP Exome Variant Server 0.00015; ExAC 0.00006; gnomAD exomes 0.00006; gnomAD 0.00008 and 0.00009.
gnomAD v4.1: 115 of 1,613,262 alleles (0.0071%); highest among the groups gnomAD compares: Middle Eastern, 0.13%; no homozygotes.

Submissions (5):

Labcorp Genetics (formerly Invitae), Labcorp
Classification: Uncertain significance for Autosomal recessive limb-girdle muscular dystrophy type 2L; Gnathodiaphyseal dysplasia. Last evaluated: 2025-12-14. Review status: criteria provided, single submitter. Criteria: Invitae Variant Classification Sherloc (09022015). Collection method: clinical testing. Allele origin: germline.
Comment: This sequence change replaces arginine, which is basic and polar, with histidine, which is basic and polar, at codon 160 of the ANO5 protein (p.Arg160His). This variant is present in population databases (rs150652958, gnomAD 0.01%). This missense change has been observed in individual(s) with clinical features of ANO5-related conditions (PMID: 39678382). ClinVar contains an entry for this variant (Variation ID: 502409). Invitae Evidence Modeling of protein sequence and biophysical properties (such as structural, functional, and spatial information, amino acid conservation, physicochemical variation, residue mobility, and thermodynamic stability) has been performed for this missense variant. However, the output from this modeling did not meet the statistical confidence thresholds required to predict the impact of this variant on ANO5 protein function. In summary, the available evidence is currently insufficient to determine the role of this variant in disease. Therefore, it has been classified as a Variant of Uncertain Significance.

GeneDx
Classification: Uncertain significance. Last evaluated: 2024-11-12. Review status: criteria provided, single submitter. Criteria: GeneDx Variant Classification Process June 2021. Collection method: clinical testing. Allele origin: germline. Affected: yes.
Comment: Not observed at significant frequency in large population cohorts (gnomAD); In silico analysis indicates that this missense variant does not alter protein structure/function; Has not been previously published as pathogenic or benign to our knowledge

Revvity Omics, Revvity
Classification: Uncertain significance. Last evaluated: 2024-06-19. Review status: criteria provided, single submitter. Criteria: ACMG Guidelines, 2015. Collection method: clinical testing. Allele origin: germline.

Illumina Laboratory Services, Illumina
Classification: Uncertain significance for ANO5-Related Muscle Diseases. Last evaluated: 2018-01-12. Review status: criteria provided, single submitter. Criteria: ICSL Variant Classification Criteria 13 December 2019. Collection method: clinical testing. Allele origin: germline.

Eurofins Ntd Llc (ga)
Classification: Uncertain significance. Last evaluated: 2017-06-05. Review status: criteria provided, single submitter. Criteria: EGL Classification Definitions 2015. Collection method: clinical testing. Allele origin: germline. Observed: 1 variant allele, 1 heterozygote.

Literature cited by the submitters: PubMed 39678382 (cited by Labcorp Genetics (formerly Invitae), Labcorp).